The following is an entry in ClinVar:

ClinVar aggregate classification (germline): Uncertain significance (1 of 4 stars; one submission).

Conditions:
BNC2-related disorder. Also called: BNC2-related condition.

gnomAD v4.1: 10 of 1,614,084 alleles (0.00062%); highest among the groups gnomAD compares: Non-Finnish European, 0.00085%; no homozygotes.

Submission:

PreventionGenetics, part of Exact Sciences
Classification: Uncertain significance for BNC2-related condition. Last evaluated: 2026-03-04. Review status: criteria provided, single submitter. Criteria: ACMG Guidelines, 2015. Collection method: clinical testing. Allele origin: germline.
Comment: The BNC2 c.3056T>G variant is predicted to result in the amino acid substitution p.Val1019Gly. To our knowledge, this variant has not been reported in the literature or in a large population database (gnomAD), indicating this variant is rare. At this time, the clinical significance of this variant is uncertain due to the absence of conclusive functional and genetic evidence.

NM_017637.6(BNC2):c.3056T>G (p.Val1019Gly)

Gene: BNC2 (basonuclin zinc finger protein 2; minus strand). Cytogenetic location: 9p22.3.
Variant type: single nucleotide variant.
Coding change: c.3056T>G on transcript NM_017637.6 (MANE Select); coding-DNA position 3056, T replaced by G.
Protein change: p.Val1019Gly; replaces valine 1019 with glycine.
Molecular consequence: missense variant. On other transcripts: 3 prime UTR variant (1).
Genome position (GRCh38, 1-based): chr9:16,419,233, A>C on the plus strand (T>G on the coding strand, the complement: BNC2 is on the minus strand). VCF-style: chr9-16419233-A-C. GRCh37 (hg19) VCF-style: chr9-16419231-A-C.
Other names: c.*400T>G (NM_001317939.2); c.2771T>G, p.Val924Gly (NM_001317940.2); short protein forms V1019G, V924G.
Identifiers: ClinVar variation 4996145 (VCV004996145.1).